The following is an entry in ClinVar:

ClinVar aggregate classification (germline): Benign. Review status: criteria provided, multiple submitters, no conflicts (2 of 4 stars). 4 submissions from 3 submitters: Benign (4). Last evaluated 2018-07-11.

Conditions:
Histiocytic medullary reticulosis. Also called: SEVERE COMBINED IMMUNODEFICIENCY WITH HYPEREOSINOPHILIA; Omenn syndrome. Identifiers: Orphanet 39041, MedGen C2700553, MONDO:0011338, OMIM 603554.
Severe combined immunodeficiency, autosomal recessive, T cell-negative, B cell-negative, NK cell-positive. Also called: SCID, T CELL-NEGATIVE, B CELL-NEGATIVE, NK CELL-POSITIVE; SCID, AR, T-cell negative, B-cell negative, NK cell-positive; Severe combined immunodeficiency due to complete RAG1/2 deficiency. Identifiers: Orphanet 331206, MedGen C1832322, MONDO:0011086, OMIM 601457.

Allele frequency attached by ClinVar (database versions not stated): 1000 Genomes Project 30x 0.09744; 1000 Genomes Project 0.09764; gnomAD exomes 0.10000; gnomAD 0.10639 and 0.10925; TOPMed 0.11009.
gnomAD v4.1: 16,241 of 151,976 alleles (11%); highest among the groups gnomAD compares: African/African-American, 15%; 992 homozygotes.

Submissions (4):

GeneDx
Classification: Benign. Last evaluated: 2018-07-11. Review status: criteria provided, single submitter. Criteria: GeneDx Variant Classification Process June 2021. Collection method: clinical testing. Allele origin: germline. Affected: yes.

Illumina Laboratory Services, Illumina
Classification: Benign for Severe combined immunodeficiency, autosomal recessive, T cell-negative, B cell-negative, NK cell-positive. Last evaluated: 2018-01-13. Review status: criteria provided, single submitter. Criteria: ICSL Variant Classification Criteria 13 December 2019. Collection method: clinical testing. Allele origin: germline.
Comment: This variant was observed in the ICSL laboratory as part of a predisposition screen in an ostensibly healthy population. It had not been previously curated by ICSL or reported in the Human Gene Mutation Database (HGMD: prior to June 1st, 2018), and was therefore a candidate for classification through an automated scoring system. Utilizing variant allele frequency, disease prevalence and penetrance estimates, and inheritance mode, an automated score was calculated to assess if this variant is too frequent to cause the disease. Based on the score and internal cut-off values, a variant classified as benign is not then subjected to further curation. The score for this variant resulted in a classification of benign for this disease.

Illumina Laboratory Services, Illumina
Classification: Benign for Histiocytic medullary reticulosis. Last evaluated: 2018-01-13. Review status: criteria provided, single submitter. Criteria: ICSL Variant Classification Criteria 13 December 2019. Collection method: clinical testing. Allele origin: germline.
Comment: the same text as in the submission from Illumina Laboratory Services, Illumina above.

Breakthrough Genomics
Classification: Benign. Review status: criteria provided, single submitter. Criteria: ACMG Guidelines, 2015. Collection method: not provided. Allele origin: germline. Inheritance: Autosomal recessive inheritance. Affected: yes.

NM_000536.4(RAG2):c.-137T>C

Genes: RAG2 (recombination activating 2; minus strand), IFTAP (intraflagellar transport associated protein; plus strand). Cytogenetic location: 11p12.
Variant type: single nucleotide variant.
Coding change: c.-137T>C on transcript NM_000536.4 (MANE Select); 137 bases upstream of the start codon, T replaced by C.
Molecular consequence: 5 prime UTR variant. On other transcripts: intron variant (7).
Genome position (GRCh38, 1-based): chr11:36,598,211, A>G on the plus strand (T>C on the coding strand, the complement: RAG2 is on the minus strand). VCF-style: chr11-36598211-A-G. GRCh37 (hg19) VCF-style: chr11-36619761-A-G.
Other names: c.-332T>C (NM_001243785.2); c.-526T>C (NM_001243786.2); c.-24+3450A>G (NM_001276722.2, NM_001276725.2); c.-24+3570A>G (NM_001276723.2, NM_001276726.2); c.-24+3619A>G (NM_138787.4, NM_001276727.2); c.-24+3296A>G (NM_001276724.2).
Identifiers: ClinVar variation 304561 (VCV000304561.8), dbSNP rs73455545, ClinGen allele CA10638446.